The following is an entry in ClinVar:

ClinVar aggregate classification (germline): Uncertain significance (1 of 4 stars; one submission).

Allele frequency attached by ClinVar (database versions not stated): gnomAD exomes below 0.00001.
gnomAD v4.1: 2 of 1,614,146 alleles (0.00012%); highest among the groups gnomAD compares: Non-Finnish European, 0.00017%; no homozygotes.

Submission:

Labcorp Genetics (formerly Invitae), Labcorp
Classification: Uncertain significance. Last evaluated: 2021-10-06. Review status: criteria provided, single submitter. Criteria: Invitae Variant Classification Sherloc (09022015). Collection method: clinical testing. Allele origin: germline.
Comment: In summary, the available evidence is currently insufficient to determine the role of this variant in disease. Therefore, it has been classified as a Variant of Uncertain Significance. Algorithms developed to predict the effect of missense changes on protein structure and function (SIFT, PolyPhen-2, Align-GVGD) all suggest that this variant is likely to be tolerated. This variant has not been reported in the literature in individuals affected with RP1-related conditions. This variant is not present in population databases (ExAC no frequency). This sequence change replaces asparagine with aspartic acid at codon 588 of the RP1 protein (p.Asn588Asp). The asparagine residue is moderately conserved and there is a small physicochemical difference between asparagine and aspartic acid.

NM_006269.2(RP1):c.1762A>G (p.Asn588Asp)

Gene: RP1 (RP1 axonemal microtubule associated; plus strand). Cytogenetic location: 8q12.1.
Variant type: single nucleotide variant.
Coding change: c.1762A>G on transcript NM_006269.2 (MANE Select); coding-DNA position 1762, A replaced by G.
Protein change: p.Asn588Asp; replaces asparagine 588 with aspartic acid.
Molecular consequence: missense variant. On other transcripts: intron variant (1).
Genome position (GRCh38, 1-based): chr8:54,625,644, A>G. VCF-style: chr8-54625644-A-G. GRCh37 (hg19) VCF-style: chr8-55538204-A-G.
Other names: c.787+3356A>G (NM_001375654.1); short protein forms N588D.
Identifiers: ClinVar variation 1408453 (VCV001408453.6), dbSNP rs2129316289, ClinGen allele CA370991523.